The following is an entry in ClinVar:

NM_002354.3(EPCAM):c.31C>G (p.Leu11Val)

Gene: EPCAM (epithelial cell adhesion molecule; plus strand). Cytogenetic location: 2p21.
Variant type: single nucleotide variant.
Coding change: c.31C>G on transcript NM_002354.3 (MANE Select); coding-DNA position 31, C replaced by G.
Protein change: p.Leu11Val; replaces leucine 11 with valine.
Molecular consequence: missense variant.
Genome position (GRCh38, 1-based): chr2:47,369,536, C>G. VCF-style: chr2-47369536-C-G. GRCh37 (hg19) VCF-style: chr2-47596675-C-G.
Other names: short protein forms L11V.
Identifiers: ClinVar variation 3275825 (VCV003275825.1).

ClinVar aggregate classification (germline): Uncertain significance (1 of 4 stars; one submission).

Conditions:
Hereditary cancer-predisposing syndrome. Also called: Tumor predisposition; Hereditary Cancer Syndrome; Hereditary neoplastic syndrome; Neoplastic Syndromes, Hereditary. Identifiers: Orphanet 140162, MedGen C0027672, MeSH D009386, MONDO:0015356.

Submission:

Ambry Genetics
Classification: Uncertain significance for Hereditary cancer-predisposing syndrome. Last evaluated: 2024-05-24. Review status: criteria provided, single submitter. Criteria: Ambry Variant Classification Scheme 2023. Collection method: clinical testing. Allele origin: germline.
Comment: The p.L11V variant (also known as c.31C>G), located in coding exon 1 of the EPCAM gene, results from a C to G substitution at nucleotide position 31. The leucine at codon 11 is replaced by valine, an amino acid with highly similar properties. This amino acid position is conserved. In addition, the in silico prediction for this alteration is inconclusive. Based on the available evidence, the clinical significance of this variant remains unclear.